The following is an entry in ClinVar:

ClinVar aggregate classification (germline): Uncertain significance (1 of 4 stars; one submission).

Conditions:
Neuronal ceroid lipofuscinosis. Also called: Neuronal Ceroid Lipofuscinoses. Identifiers: Orphanet 216, Orphanet 79263, MedGen C0027877, MONDO:0016295. Disease mechanism: loss of function.

Submission:

Labcorp Genetics (formerly Invitae), Labcorp
Classification: Uncertain significance for Neuronal ceroid lipofuscinosis. Last evaluated: 2019-07-23. Review status: criteria provided, single submitter. Criteria: Invitae Variant Classification Sherloc (09022015). Collection method: clinical testing. Allele origin: germline.
Comment: In summary, the available evidence is currently insufficient to determine the role of this variant in disease. Therefore, it has been classified as a Variant of Uncertain Significance. Algorithms developed to predict the effect of sequence changes on RNA splicing suggest that this variant may create or strengthen a splice site, but this prediction has not been confirmed by published transcriptional studies. Algorithms developed to predict the effect of missense changes on protein structure and function are either unavailable or do not agree on the potential impact of this missense change (SIFT: "Tolerated"; PolyPhen-2: "Probably Damaging"; Align-GVGD: "Class C0"). This variant has not been reported in the literature in individuals with CLN5-related conditions. This variant is not present in population databases (ExAC no frequency). This sequence change replaces histidine with glutamine at codon 161 of the CLN5 protein (p.His161Gln). The histidine residue is highly conserved and there is a small physicochemical difference between histidine and glutamine.

NM_006493.4(CLN5):c.336C>G (p.His112Gln)

Gene: CLN5 (CLN5 lysosomal BMP synthase; plus strand). Cytogenetic location: 13q22.3.
Variant type: single nucleotide variant.
Coding change: c.336C>G on transcript NM_006493.4 (MANE Select); coding-DNA position 336, C replaced by G.
Protein change: p.His112Gln; replaces histidine 112 with glutamine.
Molecular consequence: missense variant.
Genome position (GRCh38, 1-based): chr13:76,995,225, C>G. VCF-style: chr13-76995225-C-G. GRCh37 (hg19) VCF-style: chr13-77569360-C-G.
Other names: c.336C>G, p.His112Gln (NM_001366624.2); short protein forms H112Q.
Identifiers: ClinVar variation 963873 (VCV000963873.9), dbSNP rs2034245418, ClinGen allele CA388308429.